The following is an entry in ClinVar:

NM_000179.3(MSH6):c.1827A>T (p.Leu609=)

Gene: MSH6 (mutS homolog 6; plus strand). Cytogenetic location: 2p16.3.
Variant type: single nucleotide variant.
Coding change: c.1827A>T on transcript NM_000179.3 (MANE Select); coding-DNA position 1827, A replaced by T.
Protein change: p.Leu609=; no amino-acid change (leucine 609 retained).
Molecular consequence: synonymous variant.
Genome position (GRCh38, 1-based): chr2:47,799,810, A>T. VCF-style: chr2-47799810-A-T. GRCh37 (hg19) VCF-style: chr2-48026949-A-T.
Other names: c.1437A>T, p.Leu479= (NM_001281492.2); c.921A>T, p.Leu307= (NM_001281493.2, NM_001281494.2).
Identifiers: ClinVar variation 229766 (VCV000229766.17), dbSNP rs767064953, ClinGen allele CA10578079.

ClinVar aggregate classification (germline): Benign/Likely benign. Review status: criteria provided, multiple submitters, no conflicts (2 of 4 stars). 5 submissions from 5 submitters: Benign (1); Likely benign (4). Last evaluated 2025-09-10.

Conditions:
Hereditary nonpolyposis colorectal neoplasms. Identifiers: MedGen C0009405, MeSH D003123.
Hereditary cancer-predisposing syndrome. Also called: Hereditary neoplastic syndrome; Hereditary Cancer Syndrome; Neoplastic Syndromes, Hereditary; Tumor predisposition. Identifiers: Orphanet 140162, MedGen C0027672, MeSH D009386, MONDO:0015356.
Lynch syndrome. Identifiers: Orphanet 144, MedGen C4552100, MONDO:0005835. Disease mechanism: loss of function.
Lynch syndrome 5 (LYNCH5). Also called: Colorectal cancer, hereditary nonpolyposis, type 5; Hereditary non-polyposis colorectal cancer, type 5. Identifiers: Orphanet 144, MedGen C1833477, MONDO:0013710, OMIM 614350. Disease mechanism: loss of function.

Allele frequency attached by ClinVar (database versions not stated): TOPMed 0.00001; gnomAD exomes below 0.00001; gnomAD 0.00001.
gnomAD v4.1: 10 of 1,614,110 alleles (0.00062%); highest among the groups gnomAD compares: Non-Finnish European, 0.00076%; no homozygotes.

Submissions (5):

Labcorp Genetics (formerly Invitae), Labcorp
Classification: Likely benign for Hereditary nonpolyposis colorectal neoplasms. Last evaluated: 2025-09-10. Review status: criteria provided, single submitter. Criteria: Invitae Variant Classification Sherloc (09022015). Collection method: clinical testing. Allele origin: germline.

Myriad Genetics, Inc.
Classification: Benign for Lynch syndrome 5. Last evaluated: 2024-12-27. Review status: criteria provided, single submitter. Criteria: Myriad Autosomal Dominant, Autosomal Recessive and X-Linked Classification Criteria (2023). Collection method: clinical testing. Allele origin: unknown.
Comment: This variant is considered benign. This variant is a silent/synonymous amino acid change and it is not expected to impact splicing.

All of Us Research Program, National Institutes of Health
Classification: Likely benign for Lynch syndrome. Last evaluated: 2023-12-01. Review status: criteria provided, single submitter. Criteria: ACMG Guidelines, 2015. Collection method: clinical testing. Allele origin: germline. Inheritance: Autosomal dominant inheritance. Observed: 1 variant allele, 1 heterozygote.
Comment: This study involves interpretation of variants in research participants for the purpose of population health screening. Participant phenotype was not available at the time of variant classification. Additional details can be found in publication PMID: 35346344, PMCID: PMC8962531

Color Diagnostics, LLC DBA Color Health
Classification: Likely benign for Hereditary cancer-predisposing syndrome. Last evaluated: 2019-05-07. Review status: criteria provided, single submitter. Criteria: ACMG Guidelines, 2015. Collection method: clinical testing. Allele origin: germline.

Ambry Genetics
Classification: Likely benign for Hereditary cancer-predisposing syndrome. Last evaluated: 2015-01-16. Review status: criteria provided, single submitter. Criteria: Ambry Variant Classification Scheme 2023. Collection method: clinical testing. Allele origin: germline.